The following is an entry in ClinVar:

NM_024675.4(PALB2):c.902A>T (p.Asp301Val)

Gene: PALB2 (partner and localizer of BRCA2; minus strand). Cytogenetic location: 16p12.2.
Variant type: single nucleotide variant.
Coding change: c.902A>T on transcript NM_024675.4 (MANE Select); coding-DNA position 902, A replaced by T.
Protein change: p.Asp301Val; replaces aspartic acid 301 with valine.
Molecular consequence: missense variant.
Genome position (GRCh38, 1-based): chr16:23,635,644, T>A on the plus strand (A>T on the coding strand, the complement: PALB2 is on the minus strand). VCF-style: chr16-23635644-T-A. GRCh37 (hg19) VCF-style: chr16-23646965-T-A.
Other names: short protein forms D301V.
Identifiers: ClinVar variation 1332123 (VCV001332123.11), dbSNP rs759014440, ClinGen allele CA395135528.

ClinVar aggregate classification (germline): Uncertain significance. Review status: criteria provided, multiple submitters, no conflicts (2 of 4 stars). 2 submissions from 2 submitters: Uncertain significance (2). Last evaluated 2021-08-10.

Conditions:
Hereditary cancer-predisposing syndrome. Also called: Tumor predisposition; Hereditary Cancer Syndrome; Neoplastic Syndromes, Hereditary; Hereditary neoplastic syndrome. Identifiers: Orphanet 140162, MedGen C0027672, MeSH D009386, MONDO:0015356.
Familial cancer of breast. Also called: BREAST CANCER, FAMILIAL; hereditary breast carcinoma; Hereditary breast cancer. Identifiers: Orphanet 227535, MedGen C0346153, MONDO:0016419, OMIM 114480. Disease mechanism: loss of function.

Submissions (2):

Color Diagnostics, LLC DBA Color Health
Classification: Uncertain significance for Hereditary cancer-predisposing syndrome. Last evaluated: 2021-08-10. Review status: criteria provided, single submitter. Criteria: ACMG Guidelines, 2015. Collection method: clinical testing. Allele origin: germline.
Comment: This missense variant replaces aspartic acid with valine at codon 301 of the PALB2 protein. Computational prediction suggests that this variant may not impact protein structure and function (internally defined REVEL score threshold <= 0.5, PMID: 27666373). To our knowledge, functional studies have not been reported for this variant. This variant has not been reported in individuals affected with hereditary cancer in the literature. This variant has not been identified in the general population by the Genome Aggregation Database (gnomAD). The available evidence is insufficient to determine the role of this variant in disease conclusively. Therefore, this variant is classified as a Variant of Uncertain Significance.

Labcorp Genetics (formerly Invitae), Labcorp
Classification: Uncertain significance for Familial cancer of breast. Last evaluated: 2021-05-18. Review status: criteria provided, single submitter. Criteria: Invitae Variant Classification Sherloc (09022015). Collection method: clinical testing. Allele origin: germline.
Comment: This variant is not present in population databases (ExAC no frequency). This variant has not been reported in the literature in individuals with PALB2-related conditions. Algorithms developed to predict the effect of missense changes on protein structure and function (SIFT, PolyPhen-2, Align-GVGD) all suggest that this variant is likely to be tolerated, but these predictions have not been confirmed by published functional studies and their clinical significance is uncertain. In summary, the available evidence is currently insufficient to determine the role of this variant in disease. Therefore, it has been classified as a Variant of Uncertain Significance. This sequence change replaces aspartic acid with valine at codon 301 of the PALB2 protein (p.Asp301Val). The aspartic acid residue is moderately conserved and there is a large physicochemical difference between aspartic acid and valine.